The following is an entry in ClinVar:

NM_004380.3(CREBBP):c.3182A>G (p.Glu1061Gly)

Gene: CREBBP (CREB binding protein; minus strand). Cytogenetic location: 16p13.3.
Variant type: single nucleotide variant.
Coding change: c.3182A>G on transcript NM_004380.3 (MANE Select); coding-DNA position 3182, A replaced by G.
Protein change: p.Glu1061Gly; replaces glutamic acid 1061 with glycine.
Molecular consequence: missense variant.
Genome position (GRCh38, 1-based): chr16:3,767,788, T>C on the plus strand (A>G on the coding strand, the complement: CREBBP is on the minus strand). VCF-style: chr16-3767788-T-C. GRCh37 (hg19) VCF-style: chr16-3817789-T-C.
Other names: c.3068A>G, p.Glu1023Gly (NM_001079846.1); short protein forms E1023G, E1061G.
Identifiers: ClinVar variation 2662530 (VCV002662530.1), dbSNP rs2548407278, ClinGen allele CA394570620.

ClinVar aggregate classification (germline): Uncertain significance (1 of 4 stars; one submission).

Submission:

GeneDx
Classification: Uncertain significance. Last evaluated: 2023-04-10. Review status: criteria provided, single submitter. Criteria: GeneDx Variant Classification Process June 2021. Collection method: clinical testing. Allele origin: germline. Affected: yes.
Comment: Not observed at significant frequency in large population cohorts (gnomAD); In silico analysis supports that this missense variant has a deleterious effect on protein structure/function; Has not been previously published as pathogenic or benign to our knowledge